The following is an entry in ClinVar:

ClinVar aggregate classification (germline): Conflicting classifications of pathogenicity. Review status: criteria provided, conflicting classifications (1 of 4 stars). 2 submissions from 2 submitters: Uncertain significance (1); Likely benign (1). Last evaluated 2025-07-24.

Allele frequency attached by ClinVar (database versions not stated): gnomAD exomes below 0.00001; gnomAD 0.00001.
gnomAD v4.1: 2 of 1,613,212 alleles (0.00012%); highest among the groups gnomAD compares: Non-Finnish European, 0.00017%; no homozygotes.

Submissions (2):

Molecular Diagnostic Laboratory for Inherited Cardiovascular Disease, Montreal Heart Institute
Classification: Likely benign. Last evaluated: 2025-07-24. Review status: criteria provided, single submitter. Criteria: ACMG Guidelines, 2015. Collection method: clinical testing. Allele origin: germline. Affected: no.
Comment: BP1

Laboratory for Molecular Medicine, Mass General Brigham Personalized Medicine
Classification: Uncertain significance. Last evaluated: 2018-09-05. Review status: criteria provided, single submitter. Criteria: LMM Criteria. Collection method: clinical testing. Allele origin: germline. Observed: 1 variant allele.
Comment: proposed classification - variant undergoing re-assessment, contact laboratory

NM_133379.5(TTN):c.10684T>G (p.Ser3562Ala)

Gene: TTN (titin; minus strand). Cytogenetic location: 2q31.2.
Variant type: single nucleotide variant.
Coding change: c.10684T>G on transcript NM_133379.5; coding-DNA position 10684, T replaced by G.
Protein change: p.Ser3562Ala; replaces serine 3562 with alanine.
Molecular consequence: missense variant. On other transcripts: intron variant (6).
Genome position (GRCh38, 1-based): chr2:178,751,716, A>C on the plus strand (T>G on the coding strand, the complement: TTN is on the minus strand). VCF-style: chr2-178751716-A-C. GRCh37 (hg19) VCF-style: chr2-179616443-A-C.
Other names: c.10222+1408T>G (NM_003319.4); c.10798+1408T>G (NM_133437.4); c.10597+1408T>G (NM_133432.3); c.10360+1408T>G (NM_133378.4, NM_001256850.1); c.11311+1408T>G (NM_001267550.2); c.10684T>G (NM_133379.4); short protein forms S3562A.
Identifiers: ClinVar variation 166282 (VCV000166282.6), dbSNP rs727503673, ClinGen allele CA179156.